The following is an entry in ClinVar:

ClinVar aggregate classification (germline): Uncertain significance (1 of 4 stars; one submission).

Conditions:
Hyperaldosteronism, familial, type IV (HALD4). Also called: FH IV; ALDOSTERONISM, PRIMARY, AND HYPERTENSION. Identifiers: Orphanet 642671, MedGen C4310756, MONDO:0014875, OMIM 617027.
Idiopathic generalized epilepsy. Also called: Generalised epilepsy; EIG. Identifiers: MedGen C0270850, MONDO:0005579, OMIM 600669.

Allele frequency attached by ClinVar (database versions not stated): TOPMed below 0.00001.

Submission:

Labcorp Genetics (formerly Invitae), Labcorp
Classification: Uncertain significance for Idiopathic generalized epilepsy; Hyperaldosteronism, familial, type IV. Last evaluated: 2022-02-10. Review status: criteria provided, single submitter. Criteria: Invitae Variant Classification Sherloc (09022015). Collection method: clinical testing. Allele origin: germline.
Comment: Algorithms developed to predict the effect of missense changes on protein structure and function are either unavailable or do not agree on the potential impact of this missense change (SIFT: "Deleterious"; PolyPhen-2: "Probably Damaging"; Align-GVGD: "Class C15"). In summary, the available evidence is currently insufficient to determine the role of this variant in disease. Therefore, it has been classified as a Variant of Uncertain Significance. This variant is not present in population databases (gnomAD no frequency). This variant has not been reported in the literature in individuals affected with CACNA1H-related conditions. This sequence change replaces valine, which is neutral and non-polar, with methionine, which is neutral and non-polar, at codon 1449 of the CACNA1H protein (p.Val1449Met).

NM_021098.3(CACNA1H):c.4345G>A (p.Val1449Met)

Gene: CACNA1H (calcium voltage-gated channel subunit alpha1 H; plus strand). Cytogenetic location: 16p13.3.
Variant type: single nucleotide variant.
Coding change: c.4345G>A on transcript NM_021098.3 (MANE Select); coding-DNA position 4345, G replaced by A.
Protein change: p.Val1449Met; replaces valine 1449 with methionine.
Molecular consequence: missense variant.
Genome position (GRCh38, 1-based): chr16:1,211,289, G>A. VCF-style: chr16-1211289-G-A. GRCh37 (hg19) VCF-style: chr16-1261289-G-A.
Other names: c.4345G>A, p.Val1449Met (NM_001005407.2); short protein forms V1449M.
Identifiers: ClinVar variation 1519430 (VCV001519430.8), dbSNP rs965904368, ClinGen allele CA276668395.